The following is an entry in ClinVar:

ClinVar aggregate classification (germline): Pathogenic/Likely pathogenic. Review status: criteria provided, multiple submitters, no conflicts (2 of 4 stars). 10 submissions from 10 submitters: Pathogenic (9); Likely pathogenic (1). Last evaluated 2026-08-03.

Conditions:
Autistic behavior. Identifiers: MedGen C0856975, HP:0000729.
Abnormal facial shape. Also called: Dysmorphic facial features; Dysmorphic facies. Identifiers: MedGen C0424503, HP:0001999.
Epicanthus. Also called: Epicanthal fold. Identifiers: MedGen C0678230, OMIM 131500, HP:0000286.
Seizure. Also called: Seizures. Identifiers: MedGen C0036572, HP:0001250.
Moderate intellectual disability. Also called: Moderae intellectual disability; Moderate ID. Identifiers: MedGen C0026351, HP:0002342.
Early-infantile DEE. Also called: Ohtahara syndrome; Early infantile epileptic encephalopathy; Early infantile epileptic encephalopathy with suppression bursts. Identifiers: Orphanet 1934, MedGen C0393706, MONDO:0800491.
Developmental and epileptic encephalopathy, 7 (DEE7). Also called: KCNQ2-Related Neonatal Epileptic Encephalopathy; Early infantile epileptic encephalopathy 7; KCNQ2-Related Neonatal-Onset Developmental and Epileptic Encephalopathy (NEO-DEE). Identifiers: Orphanet 439218, MedGen C3150986, MONDO:0013387, OMIM 613720.
Seizures, benign familial neonatal, 1. Also called: Benign Neonatal Epilepsy 1; KCNQ2-Related Benign Familial Neonatal Epilepsy; KCNQ2-Related Self-Limited Familial Neonatal Epilepsy (SLFNE); Seizures, benign neonatal, 1. Identifiers: Orphanet 1949, MedGen C3149074, MONDO:0007365, OMIM 121200.
KCNQ2-Related Disorders. Also called: KCNQ2-related condition; KCNQ2-related disorder. Identifiers: MedGen CN169299.

Submissions 1 to 9 of 16:

Genelabs Medical  (pvt) Ltd
Classification: Pathogenic for Developmental and epileptic encephalopathy, 7. Last evaluated: 2026-08-03. Review status: criteria provided, single submitter. Criteria: ACMG Guidelines, 2015. Collection method: clinical testing. Allele origin: germline. Inheritance: Autosomal dominant inheritance. Affected: yes. Observed: 1 heterozygote.
Comment: The missense variant NM_172107.4(KCNQ2):c.1004C>T (p.Pro335Leu) is novel (not in any individuals) in 1kG and in gnomAD. There is a moderate physicochemical difference between proline and leucine. The gene KCNQ2 has a low rate of benign missense variation as indicated by a high missense variants Z-Score of 3.70. The gene KCNQ2 contains 381 pathogenic missense variants, indicating that missense variants are a common mechanism of disease in this gene. 17 variants within 6 amino acid positions of the variant p.Pro335Leu have been shown to be pathogenic, while none have been shown to be benign. The p.Pro335Leu missense variant is predicted to be damaging by both SIFT and PolyPhen2. The proline residue at codon 335 of KCNQ2 is conserved in all mammalian species. The nucleotide c.1004 in KCNQ2 is predicted conserved by GERP++ and PhyloP across 100 vertebrates. This missense change has been observed in individual(s) with seizures and developmental delay (PMID: 25533962, 28867141). In at least one individual the variant was observed to be de novo (Clinvar Accession: SCV005395919.2). For these reasons, this variant has been classified as Pathogenic. (PS2, PS4, PM1, PM2_Supporting, PP2, PP3)

CeGaT Center for Human Genetics Tuebingen
Classification: Pathogenic. Last evaluated: 2026-06-01. Review status: criteria provided, single submitter. Criteria: CeGaT Center For Human Genetics Tuebingen Variant Classification Criteria Version 2. Collection method: clinical testing. Allele origin: germline. Affected: yes. Observed: 2 variant alleles.
Comment: KCNQ2: PS2, PM2, PM5, PS4:Moderate, PP2, PP3

Labcorp Genetics (formerly Invitae), Labcorp
Classification: Pathogenic for Early-infantile DEE. Last evaluated: 2024-12-09. Review status: criteria provided, single submitter. Criteria: Invitae Variant Classification Sherloc (09022015). Collection method: clinical testing. Allele origin: germline.
Comment: This sequence change replaces proline, which is neutral and non-polar, with leucine, which is neutral and non-polar, at codon 335 of the KCNQ2 protein (p.Pro335Leu). This variant is not present in population databases (gnomAD no frequency). This missense change has been observed in individual(s) with seizures and developmental delay (PMID: 25533962, 28867141; internal data). In at least one individual the variant was observed to be de novo. ClinVar contains an entry for this variant (Variation ID: 205892). Invitae Evidence Modeling of protein sequence and biophysical properties (such as structural, functional, and spatial information, amino acid conservation, physicochemical variation, residue mobility, and thermodynamic stability) indicates that this missense variant is expected to disrupt KCNQ2 protein function with a positive predictive value of 95%. This variant disrupts the p.Pro335 amino acid residue in KCNQ2. Other variant(s) that disrupt this residue have been determined to be pathogenic (internal data). This suggests that this residue is clinically significant, and that variants that disrupt this residue are likely to be disease-causing. For these reasons, this variant has been classified as Pathogenic.

Victorian Clinical Genetics Services, Murdoch Childrens Research Institute
Classification: Pathogenic for Developmental and epileptic encephalopathy, 7. Last evaluated: 2024-10-10. Review status: criteria provided, single submitter. Criteria: ACMG Guidelines, 2015. Collection method: clinical testing. Allele origin: germline. Inheritance: Autosomal dominant inheritance. Affected: yes.
Comment: Based on the classification scheme VCGS_Germline_v1.3.5, this variant is classified as Pathogenic. Following criteria are met: 0103 - Dominant negative and loss of function are known mechanisms of disease in this gene and are associated with developmental and epileptic encephalopathy 7 (DEE; MIM#613720) and benign neonatal seizures 1 (BFNS1; MIM#121200), respectively (PMID: 20437616, 21937445). There is currently no phenotypic correlation in terms of variant types or location (PMID: 31418850). (I) 0107 - This gene is associated with autosomal dominant disease. (I) 0112 - The condition associated with this gene has incomplete penetrance; however, this is only reported for individuals with BFNS1 (PMID: 25959266). (I) 0200 - Variant is predicted to result in a missense amino acid change from proline to leucine. (I) 0251 - This variant is heterozygous. (I) 0301 - Variant is absent from gnomAD (v2, v3 and v4). (SP) 0501 - Missense variant consistently predicted to be damaging by multiple in silico tools or highly conserved with a major amino acid change. (SP) 0603 - Missense variant in a region that is highly intolerant to missense variation (high constraint region in DECIPHER). (SP) 0703 - Other missense variants comparable to the one identified in this case have moderate previous evidence for pathogenicity. p.(Pro335Ala) has been classified as pathogenic in a de novo individual with early infantile epileptic encephalopathy and p.(Pro335Ser) has been classified likely pathogenic in a de novo individual with epilepsy by a clinical laboratory (ClinVar). (SP) 0801 - This variant has strong previous evidence of pathogenicity in unrelated individuals. It has been classified as pathogenic and likely pathogenic by multiple clinical laboratories in ClinVar, and has been observed in several affected individuals with intellectual disability and seizures (DECIPHER, PMID: 33754465). (SP) Legend: (SP) - Supporting pathogenic, (I) - Information, (SB) - Supporting benign

Equipe Genetique des Anomalies du Developpement, Université de Bourgogne
Classification: Pathogenic for Seizures, benign familial neonatal, 1. Last evaluated: 2024-05-29. Review status: criteria provided, single submitter. Criteria: ACMG Guidelines, 2015. Collection method: clinical testing. Allele origin: de novo. Affected: yes.
Comment: The c.1004 C>T variant is not situated in a functional domain. However, it is localized in a helix where the majority of missense variants reported correspond with the more severe epileptic encephalopathic phenotype. In silico predictions are in favour of a damaging effect, that impacts a highly conserved amino acid. This variant is absent from the gnomAD database (v4.1.0). This variant has been reported in ClinVar as likely pathogenic and pathogenic multiple times (VCV000205892.20). Pathogenic missense variations in the KCNQ2 gene are responsible for a neonatal onset of epilepsy with a phenotype that can range from benign familial neonatal seizures (OMIM #121200) or in more severe cases, a form of developmental and epileptic encephalopathy (OMIM #613720). Based on the available evidence, this variant is classified as pathogenic according to ACMG criteria.

GeneDx
Classification: Pathogenic. Last evaluated: 2023-12-01. Review status: criteria provided, single submitter. Criteria: GeneDx Variant Classification Process June 2021. Collection method: clinical testing. Allele origin: germline. Affected: yes.
Comment: In silico analysis supports that this missense variant has a deleterious effect on protein structure/function; Not observed at significant frequency in large population cohorts (gnomAD); Missense variants in this gene are often considered pathogenic (HGMD); This variant is associated with the following publications: (PMID: 28191890, 28867141, 28135719, 25533962, 33754465, 31785789, 27602407, 35104249)

Blueprint Genetics
Classification: Pathogenic for KCNQ2-related disorders. Last evaluated: 2022-07-21. Review status: criteria provided, single submitter. Criteria: ACMG Guidelines, 2015. Collection method: clinical testing. Allele origin: germline. Affected: yes. Observed: 2 variant alleles.

Revvity Omics, Revvity
Classification: Pathogenic. Last evaluated: 2020-09-14. Review status: criteria provided, single submitter. Criteria: ACMG Guidelines, 2015. Collection method: clinical testing. Allele origin: germline.

Greenwood Genetic Center Diagnostic Laboratories, Greenwood Genetic Center
Classification: Pathogenic. Last evaluated: 2020-07-22. Review status: criteria provided, single submitter. Criteria: ACMG Guidelines, 2015. Collection method: clinical testing. Allele origin: germline. Affected: yes.
Comment: PS2_VeryStrong, PM5_Supporting, PP2, PP3, PM1, PM2, PS4_Moderate

NM_172107.4(KCNQ2):c.1004C>T (p.Pro335Leu)

Gene: KCNQ2 (potassium voltage-gated channel subfamily Q member 2; minus strand). Cytogenetic location: 20q13.33.
Variant type: single nucleotide variant.
Coding change: c.1004C>T on transcript NM_172107.4 (MANE Select); coding-DNA position 1004, C replaced by T.
Protein change: p.Pro335Leu; replaces proline 335 with leucine.
Molecular consequence: missense variant.
Genome position (GRCh38, 1-based): chr20:63,438,644, G>A on the plus strand (C>T on the coding strand, the complement: KCNQ2 is on the minus strand). VCF-style: chr20-63438644-G-A. GRCh37 (hg19) VCF-style: chr20-62069997-G-A.
Other names: p.P335L:CCG>CTG; c.1004C>T (NM_172107.3); c.1004C>T, p.Pro335Leu (NM_004518.6, NM_172106.3, NM_172108.5 and 1 more transcripts); short protein forms P335L.
Identifiers: ClinVar variation 205892 (VCV000205892.38), dbSNP rs796052641, ClinGen allele CA315418.